The following is an entry in ClinVar:

ClinVar aggregate classification (germline): Uncertain significance (1 of 4 stars; one submission).

Conditions:
Inborn genetic diseases. Identifiers: MedGen C0950123, MeSH D030342.

Submission:

Ambry Genetics
Classification: Uncertain significance for Inborn genetic diseases. Last evaluated: 2025-04-28. Review status: criteria provided, single submitter. Criteria: Ambry Variant Classification Scheme 2023. Collection method: clinical testing. Allele origin: germline.
Comment: The p.D1250G variant (also known as c.3749A>G), located in coding exon 37 of the FANCA gene, results from an A to G substitution at nucleotide position 3749. The aspartic acid at codon 1250 is replaced by glycine, an amino acid with similar properties. This amino acid position is conserved. In addition, this alteration is predicted to be tolerated by in silico analysis. Based on the available evidence, the clinical significance of this variant remains unclear.

NM_000135.4(FANCA):c.3749A>G (p.Asp1250Gly)

Gene: FANCA (FA complementation group A; minus strand). Cytogenetic location: 16q24.3.
Variant type: single nucleotide variant.
Coding change: c.3749A>G on transcript NM_000135.4 (MANE Select); coding-DNA position 3749, A replaced by G.
Protein change: p.Asp1250Gly; replaces aspartic acid 1250 with glycine.
Molecular consequence: missense variant.
Genome position (GRCh38, 1-based): chr16:89,742,816, T>C on the plus strand (A>G on the coding strand, the complement: FANCA is on the minus strand). VCF-style: chr16-89742816-T-C. GRCh37 (hg19) VCF-style: chr16-89809224-T-C.
Other names: c.3749A>G, p.Asp1250Gly (NM_001286167.3); short protein forms D1250G.
Identifiers: ClinVar variation 4022223 (VCV004022223.1).